The following is an entry in ClinVar:

NM_001077653.2(TBX20):c.175A>G (p.Thr59Ala)

Gene: TBX20 (T-box transcription factor 20; minus strand). Cytogenetic location: 7p14.2.
Variant type: single nucleotide variant.
Coding change: c.175A>G on transcript NM_001077653.2 (MANE Select); coding-DNA position 175, A replaced by G.
Protein change: p.Thr59Ala; replaces threonine 59 with alanine.
Molecular consequence: missense variant.
Genome position (GRCh38, 1-based): chr7:35,250,156, T>C on the plus strand (A>G on the coding strand, the complement: TBX20 is on the minus strand). VCF-style: chr7-35250156-T-C. GRCh37 (hg19) VCF-style: chr7-35289768-T-C.
Other names: c.175A>G, p.Thr59Ala (NM_001166220.1); short protein forms T59A.
Identifiers: ClinVar variation 2082345 (VCV002082345.4), dbSNP rs372887264, ClinGen allele CA4217563.

ClinVar aggregate classification (germline): Uncertain significance (1 of 4 stars; one submission).

Allele frequency attached by ClinVar (database versions not stated): ExAC 0.00001; gnomAD 0.00001; TOPMed 0.00001; ESP Exome Variant Server 0.00008.
gnomAD v4.1: 1 of 1,613,908 alleles (0.000062%); highest among the groups gnomAD compares: Non-Finnish European, 0.000085%; no homozygotes.

Submission:

Labcorp Genetics (formerly Invitae), Labcorp
Classification: Uncertain significance. Last evaluated: 2022-03-17. Review status: criteria provided, single submitter. Criteria: Invitae Variant Classification Sherloc (09022015). Collection method: clinical testing. Allele origin: germline.
Comment: In summary, the available evidence is currently insufficient to determine the role of this variant in disease. Therefore, it has been classified as a Variant of Uncertain Significance. Algorithms developed to predict the effect of missense changes on protein structure and function output the following: SIFT: "Tolerated"; PolyPhen-2: "Benign"; Align-GVGD: "Class C0". The alanine amino acid residue is found in multiple mammalian species, which suggests that this missense change does not adversely affect protein function. This variant has not been reported in the literature in individuals affected with TBX20-related conditions. This variant is not present in population databases (gnomAD no frequency). This sequence change replaces threonine, which is neutral and polar, with alanine, which is neutral and non-polar, at codon 59 of the TBX20 protein (p.Thr59Ala).